The following is an entry in ClinVar:

NM_000234.3(LIG1):c.760G>A (p.Glu254Lys)

Gene: LIG1 (DNA ligase 1; minus strand). Cytogenetic location: 19q13.33.
Variant type: single nucleotide variant.
Coding change: c.760G>A on transcript NM_000234.3 (MANE Select); coding-DNA position 760, G replaced by A.
Protein change: p.Glu254Lys; replaces glutamic acid 254 with lysine.
Molecular consequence: missense variant. On other transcripts: non-coding transcript variant (6).
Genome position (GRCh38, 1-based): chr19:48,149,779, C>T on the plus strand (G>A on the coding strand, the complement: LIG1 is on the minus strand). VCF-style: chr19-48149779-C-T. GRCh37 (hg19) VCF-style: chr19-48653036-C-T.
Other names: c.667G>A, p.Glu223Lys (NM_001289063.2); c.556G>A, p.Glu186Lys (NM_001289064.2); c.757G>A, p.Glu253Lys (NM_001320970.2); c.670G>A, p.Glu224Lys (NM_001320971.2); short protein forms E224K, E254K, E253K, E186K, E223K.
Identifiers: ClinVar variation 1524130 (VCV001524130.6), dbSNP rs1306708633, ClinGen allele CA406653245.
Genomic context (GRCh38, chr19:48,149,779, plus strand): 5'-GAACACATCCCGAAGAACCTTTCCAGACCTGGACACTGACTCACCCCTCAGCAGCTCCCT[C>T]CTTTCCTGGAGCCCCTGGCTCCTCTTCCTTCACTTCTTTTTTGACTGCTGGCTTCCGGGG-3'
Protein context (NP_000225.1, residues 244-264): KEEEPGAPGK[Glu254Lys]GAAEGPLDPS

ClinVar aggregate classification (germline): Uncertain significance (1 of 4 stars; one submission).

Allele frequency attached by ClinVar (database versions not stated): gnomAD 0.00001; gnomAD exomes 0.00001; TOPMed 0.00001.
gnomAD v4.1: 6 of 1,613,980 alleles (0.00037%); highest among the groups gnomAD compares: Non-Finnish European, 0.00051%; no homozygotes.

Submission:

Labcorp Genetics (formerly Invitae), Labcorp
Classification: Uncertain significance. Last evaluated: 2021-11-05. Review status: criteria provided, single submitter. Criteria: Invitae Variant Classification Sherloc (09022015). Collection method: clinical testing. Allele origin: germline.
Comment: This sequence change replaces glutamic acid, which is acidic and polar, with lysine, which is basic and polar, at codon 254 of the LIG1 protein (p.Glu254Lys). This variant is not present in population databases (gnomAD no frequency). This variant has not been reported in the literature in individuals affected with LIG1-related conditions. Algorithms developed to predict the effect of missense changes on protein structure and function (SIFT, PolyPhen-2, Align-GVGD) all suggest that this variant is likely to be tolerated. In summary, the available evidence is currently insufficient to determine the role of this variant in disease. Therefore, it has been classified as a Variant of Uncertain Significance.